The following is an entry in ClinVar:

ClinVar aggregate classification (germline): Uncertain significance (1 of 4 stars; one submission).

Submission:

GeneDx
Classification: Uncertain significance. Last evaluated: 2024-09-26. Review status: criteria provided, single submitter. Criteria: GeneDx Variant Classification Process June 2021. Collection method: clinical testing. Allele origin: germline. Affected: yes.
Comment: Has not been previously published as pathogenic or benign to our knowledge; Not observed at significant frequency in large population cohorts (gnomAD); In silico analysis supports that this missense variant has a deleterious effect on protein structure/function

NM_001077653.2(TBX20):c.502T>C (p.Ser168Pro)

Gene: TBX20 (T-box transcription factor 20; minus strand). Cytogenetic location: 7p14.2.
Variant type: single nucleotide variant.
Coding change: c.502T>C on transcript NM_001077653.2 (MANE Select); coding-DNA position 502, T replaced by C.
Protein change: p.Ser168Pro; replaces serine 168 with proline.
Molecular consequence: missense variant.
Genome position (GRCh38, 1-based): chr7:35,248,720, A>G on the plus strand (T>C on the coding strand, the complement: TBX20 is on the minus strand). VCF-style: chr7-35248720-A-G. GRCh37 (hg19) VCF-style: chr7-35288332-A-G.
Other names: c.502T>C, p.Ser168Pro (NM_001166220.1); short protein forms S168P.
Identifiers: ClinVar variation 3774723 (VCV003774723.1).
Genomic context (GRCh38, chr7:35,248,720, plus strand): 5'-AATCTGGAGGCACGAACCTGGCTGGCAACGGCGGGTCGGCCTTGCCAGCCACCAGCCAGG[A>G]GGACCGGTGGTAGGCGTAGCGGTACCTCTTGTTGTCCACAGGGACGATGTCCATCAGGAC-3'
Protein context (NP_001071121.1, residues 158-178): KRYRYAYHRS[Ser168Pro]WLVAGKADPP